The following is an entry in ClinVar:

ClinVar aggregate classification (germline): Uncertain significance. Review status: criteria provided, multiple submitters, no conflicts (2 of 4 stars). 2 submissions from 2 submitters: Uncertain significance (2). Last evaluated 2025-03-02.

Conditions:
Hypertrophic cardiomyopathy. Also called: HYPERTROPHIC MYOCARDIOPATHY. Identifiers: Orphanet 217569, MedGen C0007194, MeSH D002312, MONDO:0005045, HP:0001639.
Cardiovascular phenotype. Identifiers: MedGen CN230736.

gnomAD v4.1: 4 of 1,552,572 alleles (0.00026%); highest among the groups gnomAD compares: Non-Finnish European, 0.00026%; no homozygotes.

Submissions (2):

Ambry Genetics
Classification: Uncertain significance for Cardiovascular phenotype. Last evaluated: 2025-03-02. Review status: criteria provided, single submitter. Criteria: Ambry Variant Classification Scheme 2023. Collection method: clinical testing. Allele origin: germline.
Comment: The p.V881F variant (also known as c.2641G>T), located in coding exon 26 of the MYBPC3 gene, results from a G to T substitution at nucleotide position 2641. The valine at codon 881 is replaced by phenylalanine, an amino acid with highly similar properties. This amino acid position is conserved. In addition, this alteration is predicted to be tolerated by in silico analysis. Based on the available evidence, the clinical significance of this variant remains unclear.

Labcorp Genetics (formerly Invitae), Labcorp
Classification: Uncertain significance for Hypertrophic cardiomyopathy. Last evaluated: 2022-08-31. Review status: criteria provided, single submitter. Criteria: Invitae Variant Classification Sherloc (09022015). Collection method: clinical testing. Allele origin: germline.
Comment: In summary, the available evidence is currently insufficient to determine the role of this variant in disease. Therefore, it has been classified as a Variant of Uncertain Significance. Algorithms developed to predict the effect of missense changes on protein structure and function are either unavailable or do not agree on the potential impact of this missense change (SIFT: "Deleterious"; PolyPhen-2: "Probably Damaging"; Align-GVGD: "Class C0"). ClinVar contains an entry for this variant (Variation ID: 1394465). This variant has not been reported in the literature in individuals affected with MYBPC3-related conditions. This variant is not present in population databases (gnomAD no frequency). This sequence change replaces valine, which is neutral and non-polar, with phenylalanine, which is neutral and non-polar, at codon 881 of the MYBPC3 protein (p.Val881Phe).

NM_000256.3(MYBPC3):c.2641G>T (p.Val881Phe)

Gene: MYBPC3 (myosin binding protein C3; minus strand). Cytogenetic location: 11p11.2.
Variant type: single nucleotide variant.
Coding change: c.2641G>T on transcript NM_000256.3 (MANE Select); coding-DNA position 2641, G replaced by T.
Protein change: p.Val881Phe; replaces valine 881 with phenylalanine.
Molecular consequence: missense variant.
Genome position (GRCh38, 1-based): chr11:47,335,973, C>A on the plus strand (G>T on the coding strand, the complement: MYBPC3 is on the minus strand). VCF-style: chr11-47335973-C-A. GRCh37 (hg19) VCF-style: chr11-47357524-C-A.
Other names: short protein forms V881F.
Identifiers: ClinVar variation 1394465 (VCV001394465.9), dbSNP rs727504360, ClinGen allele CA380317391.